The following is an entry in ClinVar:

ClinVar aggregate classification (germline): Uncertain significance (1 of 4 stars; one submission).

Conditions:
Hereditary cancer-predisposing syndrome. Also called: Neoplastic Syndromes, Hereditary; Tumor predisposition; Hereditary Cancer Syndrome; Hereditary neoplastic syndrome. Identifiers: Orphanet 140162, MedGen C0027672, MeSH D009386, MONDO:0015356.

Submission:

Ambry Genetics
Classification: Uncertain significance for Hereditary cancer-predisposing syndrome. Last evaluated: 2026-02-25. Review status: criteria provided, single submitter. Criteria: Ambry Variant Classification Scheme 2023. Collection method: clinical testing. Allele origin: germline.
Comment: The c.2881-5T>A intronic variant results from a T to A substitution 5 nucleotides upstream from coding exon 21 in the PDGFRA gene. This nucleotide position is well conserved in available vertebrate species. In silico splice site analysis predicts that this alteration will not have any significant effect on splicing. Based on the available evidence, the clinical significance of this variant remains unclear.

NM_006206.6(PDGFRA):c.2881-5T>A

Gene: PDGFRA (platelet derived growth factor receptor alpha; plus strand). Cytogenetic location: 4q12.
Variant type: single nucleotide variant.
Coding change: c.2881-5T>A on transcript NM_006206.6 (MANE Select); 5 bases into the intron before coding-DNA position 2881, T replaced by A.
Molecular consequence: intron variant.
Genome position (GRCh38, 1-based): chr4:54,290,308, T>A. VCF-style: chr4-54290308-T-A. GRCh37 (hg19) VCF-style: chr4-55156475-T-A.
Other names: c.2956-5T>A (NM_001347828.2); c.2881-5T>A (NM_001347829.2); c.2920-5T>A (NM_001347830.2).
Identifiers: ClinVar variation 4843854 (VCV004843854.1).
Genomic context (GRCh38, chr4:54,290,308, plus strand): 5'-TCTCTATTCATTTTTGAGGTTTGGTTGTTAACACTTGATTAAATATGTTCAATGAATGTT[T>A]ATAGAGTTATGAAAAAATTCACCTGGACTTCCTGAAGAGTGACCATCCTGCTGTGGCACG-3'